The following is an entry in ClinVar:

NM_002582.4(PARN):c.201T>G (p.Phe67Leu)

Gene: PARN (poly(A)-specific ribonuclease; minus strand). Cytogenetic location: 16p13.12.
Variant type: single nucleotide variant.
Coding change: c.201T>G on transcript NM_002582.4 (MANE Select); coding-DNA position 201, T replaced by G.
Protein change: p.Phe67Leu; replaces phenylalanine 67 with leucine.
Molecular consequence: missense variant. On other transcripts: intron variant (1).
Genome position (GRCh38, 1-based): chr16:14,627,313, A>C on the plus strand (T>G on the coding strand, the complement: PARN is on the minus strand). VCF-style: chr16-14627313-A-C. GRCh37 (hg19) VCF-style: chr16-14721170-A-C.
Other names: c.18T>G, p.Phe6Leu (NM_001134477.3); c.159-177T>G (NM_001242992.2); short protein forms F67L, F6L.
Identifiers: ClinVar variation 2929118 (VCV002929118.3), dbSNP rs2508628442, ClinGen allele CA394816443.

ClinVar aggregate classification (germline): Uncertain significance (1 of 4 stars; one submission).

Conditions:
Dyskeratosis congenita, autosomal recessive 6 (DKCB6). Identifiers: MedGen C4225356, MONDO:0014600, OMIM 616353.
Pulmonary fibrosis and/or bone marrow failure, Telomere-related, 4. Also called: PULMONARY FIBROSIS AND/OR BONE MARROW FAILURE SYNDROME, TELOMERE-RELATED, 4. Identifiers: Orphanet 2032, MedGen C4225347, MONDO:0014612, OMIM 616371.

Allele frequency attached by ClinVar (database versions not stated): gnomAD exomes below 0.00001.
gnomAD v4.1: 2 of 1,591,854 alleles (0.00013%); highest among the groups gnomAD compares: African/African-American, 0.0013%; no homozygotes.

Submission:

Labcorp Genetics (formerly Invitae), Labcorp
Classification: Uncertain significance for Dyskeratosis congenita, autosomal recessive 6; Pulmonary fibrosis and/or bone marrow failure, Telomere-related, 4. Last evaluated: 2022-11-07. Review status: criteria provided, single submitter. Criteria: Invitae Variant Classification Sherloc (09022015). Collection method: clinical testing. Allele origin: germline.
Comment: In summary, the available evidence is currently insufficient to determine the role of this variant in disease. Therefore, it has been classified as a Variant of Uncertain Significance. Advanced modeling of protein sequence and biophysical properties (such as structural, functional, and spatial information, amino acid conservation, physicochemical variation, residue mobility, and thermodynamic stability) performed at Invitae indicates that this missense variant is not expected to disrupt PARN protein function. This variant has not been reported in the literature in individuals affected with PARN-related conditions. This variant is not present in population databases (gnomAD no frequency). This sequence change replaces phenylalanine, which is neutral and non-polar, with leucine, which is neutral and non-polar, at codon 67 of the PARN protein (p.Phe67Leu).